The following is an entry in ClinVar:

NM_001378418.1(TCF20):c.3415G>A (p.Asp1139Asn)

Gene: TCF20 (transcription factor 20; minus strand). Cytogenetic location: 22q13.2.
Variant type: single nucleotide variant.
Coding change: c.3415G>A on transcript NM_001378418.1 (MANE Select); coding-DNA position 3415, G replaced by A.
Protein change: p.Asp1139Asn; replaces aspartic acid 1139 with asparagine.
Molecular consequence: missense variant.
Genome position (GRCh38, 1-based): chr22:42,211,891, C>T on the plus strand (G>A on the coding strand, the complement: TCF20 is on the minus strand). VCF-style: chr22-42211891-C-T. GRCh37 (hg19) VCF-style: chr22-42607897-C-T.
Other names: c.3415G>A, p.Asp1139Asn (NM_005650.4, NM_181492.3); short protein forms D1139N.
Identifiers: ClinVar variation 2653249 (VCV002653249.24), dbSNP rs2518216574, ClinGen allele CA411786543.

ClinVar aggregate classification (germline): Likely benign (1 of 4 stars; one submission).

Allele frequency attached by ClinVar (database versions not stated): gnomAD exomes below 0.00001.
gnomAD v4.1: 1 of 1,614,164 alleles (0.000062%); highest among the groups gnomAD compares: Non-Finnish European, 0.000085%; no homozygotes.

Submission:

CeGaT Center for Human Genetics Tuebingen
Classification: Likely benign. Last evaluated: 2022-05-01. Review status: criteria provided, single submitter. Criteria: CeGaT Center For Human Genetics Tuebingen Variant Classification Criteria Version 2. Collection method: clinical testing. Allele origin: germline. Affected: yes. Observed: 1 variant allele.
Comment: TCF20: PM2, BP1, BS2